The following is an entry in ClinVar:

NM_003245.4(TGM3):c.1966C>T (p.Arg656Trp)

Gene: TGM3 (transglutaminase 3; plus strand). Cytogenetic location: 20p13.
Variant type: single nucleotide variant.
Coding change: c.1966C>T on transcript NM_003245.4 (MANE Select); coding-DNA position 1966, C replaced by T.
Protein change: p.Arg656Trp; replaces arginine 656 with tryptophan.
Molecular consequence: missense variant.
Genome position (GRCh38, 1-based): chr20:2,340,465, C>T. VCF-style: chr20-2340465-C-T. GRCh37 (hg19) VCF-style: chr20-2321111-C-T.
Other names: short protein forms R656W.
Identifiers: ClinVar variation 2630215 (VCV002630215.2), dbSNP rs151074346, ClinGen allele CA9731421.
Genomic context (GRCh38, chr20:2,340,465, plus strand): 5'-TCAACACTGATCTGTGCCCTCCCCATCAGCGTGCCGACCCTAGGGCCCAAGGAGGGGTCC[C>T]GGGTCCGTTTTGATATCCTGCCCTCCCGGAGTGGCACCAAGCAACTGCTCGCCGACTTCT-3'
Protein context (NP_003236.3, residues 646-666): VPTLGPKEGS[Arg656Trp]VRFDILPSRS

ClinVar aggregate classification (germline): Uncertain significance (0 of 4 stars; one submission).

Conditions:
TGM3-related disorder. Also called: TGM3-related condition.

Allele frequency attached by ClinVar (database versions not stated): ESP Exome Variant Server 0.00015; gnomAD 0.00035; 1000 Genomes Project 0.00040; ExAC 0.00040; TOPMed 0.00044; 1000 Genomes Project 30x 0.00047.
gnomAD v4.1: 832 of 1,614,042 alleles (0.052%); highest among the groups gnomAD compares: Admixed American, 0.11%; no homozygotes.

Submission:

PreventionGenetics, part of Exact Sciences
Classification: Uncertain significance for TGM3-related condition. Last evaluated: 2024-07-01. Review status: no assertion criteria provided. Collection method: clinical testing. Allele origin: germline.
Comment: The TGM3 c.1966C>T variant is predicted to result in the amino acid substitution p.Arg656Trp. To our knowledge, this variant has not been reported in the literature. This variant is reported in 0.13% of alleles in individuals of Latino descent in gnomAD, which is likely too frequent for an unreported disease-causing variant. Although we suspect that this variant may be benign, at this time, the clinical significance of this variant is uncertain due to the absence of conclusive functional and genetic evidence.